The following is an entry in ClinVar:

ClinVar aggregate classification (germline): Pathogenic (1 of 4 stars; one submission).

Submission:

CeGaT Center for Human Genetics Tuebingen
Classification: Pathogenic. Last evaluated: 2025-04-01. Review status: criteria provided, single submitter. Criteria: CeGaT Center For Human Genetics Tuebingen Variant Classification Criteria Version 2. Collection method: clinical testing. Allele origin: germline. Affected: yes. Observed: 1 variant allele.
Comment: FLNC: PVS1, PM2

NM_001458.5(FLNC):c.7581_7614delinsGC (p.Ile2527fs)

Genes: FLNC (filamin C; plus strand), FLNC-AS1 (FLNC antisense RNA 1; minus strand). Cytogenetic location: 7q32.1.
Variant type: Indel.
Coding change: c.7581_7614delinsGC on transcript NM_001458.5 (MANE Select); coding-DNA positions 7581 to 7614, the reference bases replaced by GC.
Protein change: p.Ile2527fs; shifts the reading frame from isoleucine 2527.
Molecular consequence: frameshift variant.
Genome position (GRCh38, 1-based): chr7:128,857,137-128,857,170, 34 bases replaced. GRCh37 (hg19): chr7:128,497,191-128,497,224.
Other names: c.7482_7515delinsGC, p.Ile2494fs (NM_001127487.2); short protein forms I2494fs, I2527fs.
Identifiers: ClinVar variation 3898746 (VCV003898746.7).